The following is an entry in ClinVar:

ClinVar aggregate classification (germline): Benign. Review status: criteria provided, single submitter (1 of 4 stars). 2 submissions from 2 submitters: Benign (1). 1 of the submissions does not count toward it. Last evaluated 2025-03-16.

Conditions:
TRPC6-related disorder. Also called: TRPC6-related condition.

Allele frequency attached by ClinVar (database versions not stated): gnomAD 0.00003; ExAC 0.00014; TOPMed 0.00022.
gnomAD v4.1: 62 of 1,613,646 alleles (0.0038%); highest among the groups gnomAD compares: Admixed American, 0.072%; no homozygotes.

Submissions (2):

Labcorp Genetics (formerly Invitae), Labcorp
Classification: Benign. Last evaluated: 2025-03-16. Review status: criteria provided, single submitter. Criteria: Invitae Variant Classification Sherloc (09022015). Collection method: clinical testing. Allele origin: germline.

PreventionGenetics, part of Exact Sciences
Classification: Likely benign for TRPC6-related condition. Last evaluated: 2020-11-11. Review status: no assertion criteria provided. Collection method: clinical testing. Allele origin: germline. Not counted in ClinVar's aggregate classification.
Comment: This variant is classified as likely benign based on ACMG/AMP sequence variant interpretation guidelines (Richards et al. 2015 PMID: 25741868, with internal and published modifications).

NM_004621.6(TRPC6):c.2640C>T (p.Asn880=)

Gene: TRPC6 (transient receptor potential cation channel subfamily C member 6; minus strand). Cytogenetic location: 11q22.1.
Variant type: single nucleotide variant.
Coding change: c.2640C>T on transcript NM_004621.6 (MANE Select); coding-DNA position 2640, C replaced by T.
Protein change: p.Asn880=; no amino-acid change (asparagine 880 retained).
Molecular consequence: synonymous variant.
Genome position (GRCh38, 1-based): chr11:101,453,654, G>A on the plus strand (C>T on the coding strand, the complement: TRPC6 is on the minus strand). VCF-style: chr11-101453654-G-A. GRCh37 (hg19) VCF-style: chr11-101324385-G-A.
Other names: c.2640C>T (NM_004621.5).
Identifiers: ClinVar variation 1667504 (VCV001667504.10), dbSNP rs771248904, ClinGen allele CA6244057.